The following is an entry in ClinVar:

ClinVar aggregate classification (germline): Uncertain significance (1 of 4 stars; one submission).

Submission:

GeneDx
Classification: Uncertain significance. Last evaluated: 2023-03-13. Review status: criteria provided, single submitter. Criteria: GeneDx Variant Classification Process June 2021. Collection method: clinical testing. Allele origin: germline. Affected: yes.
Comment: Not observed at significant frequency in large population cohorts (gnomAD); Occurs in the triple helical domain within an interruption of the canonical Gly-X-Y repeat; In silico analysis supports that this missense variant has a deleterious effect on protein structure/function; Has not been previously published as pathogenic or benign to our knowledge

NM_001845.6(COL4A1):c.1127C>T (p.Pro376Leu)

Gene: COL4A1 (collagen type IV alpha 1 chain; minus strand). Cytogenetic location: 13q34.
Variant type: single nucleotide variant.
Coding change: c.1127C>T on transcript NM_001845.6 (MANE Select); coding-DNA position 1127, C replaced by T.
Protein change: p.Pro376Leu; replaces proline 376 with leucine.
Molecular consequence: missense variant.
Genome position (GRCh38, 1-based): chr13:110,198,625, G>A on the plus strand (C>T on the coding strand, the complement: COL4A1 is on the minus strand). VCF-style: chr13-110198625-G-A. GRCh37 (hg19) VCF-style: chr13-110850972-G-A.
Other names: c.1127C>T, p.Pro376Leu (NM_001303110.2); short protein forms P376L.
Identifiers: ClinVar variation 2580034 (VCV002580034.1), dbSNP rs2501558010, ClinGen allele CA388724205.